The following is an entry in ClinVar:

Conditions:
Breast-ovarian cancer, familial, susceptibility to, 1 (BROVCA1). Also called: BRCA1 Hereditary Breast and Ovarian Cancer; OVARIAN CANCER, SUSCEPTIBILITY TO. Identifiers: Orphanet 145, MedGen C2676676, MONDO:0011450, OMIM 604370. Disease mechanism: loss of function.

Submission:

Brotman Baty Institute, University of Washington
No classification provided (evidence only). Condition: Breast-ovarian cancer, familial 1. Review status: no classification provided. Collection method: in vitro. Allele origin: not applicable. Functional consequence: functionally_normal.
ClinVar note: "not provided" was previously submitted as the classification for the variant. However, the classification appeared to be based only on an observation of functional data so it was converted to no classification on 2025-07-30.

NM_007294.4(BRCA1):c.5413C>G (p.His1805Asp)

Gene: BRCA1 (BRCA1 DNA repair associated; minus strand). Cytogenetic location: 17q21.31.
Variant type: single nucleotide variant.
Coding change: c.5413C>G on transcript NM_007294.4 (MANE Select); coding-DNA position 5413, C replaced by G.
Protein change: p.His1805Asp; replaces histidine 1805 with aspartic acid.
Molecular consequence: missense variant. On other transcripts: non-coding transcript variant (1).
Genome position (GRCh38, 1-based): chr17:43,047,697, G>C on the plus strand (C>G on the coding strand, the complement: BRCA1 is on the minus strand). VCF-style: chr17-43047697-G-C. GRCh37 (hg19) VCF-style: chr17-41199714-G-C.
Other names: c.5200C>G, p.His1734Asp (NM_001407571.1, NM_001407907.1, NM_001407908.1 and 12 more transcripts); c.5479C>G, p.His1827Asp (NM_001407581.1, NM_001407582.1); c.5476C>G, p.His1826Asp (NM_001407583.1, NM_001407585.1, NM_001407587.1 and 1 more transcripts); c.5473C>G, p.His1825Asp (NM_001407590.1, NM_001407591.1); c.5413C>G, p.His1805Asp (NM_001407593.1, NM_001407594.1, NM_001407596.1 and 5 more transcripts); c.5410C>G, p.His1804Asp (NM_001407614.1, NM_001407615.1, NM_001407616.1 and 14 more transcripts); c.5407C>G, p.His1803Asp (NM_001407633.1, NM_001407634.1, NM_001407635.1 and 13 more transcripts); c.5335C>G, p.His1779Asp (NM_001407655.1, NM_001407652.1, NM_001407653.1 and 1 more transcripts); and 83 more; short protein forms H1826D, H1805D, H1758D, H701D, P676R, H1508D, H1509D, H1676D.
Identifiers: ClinVar variation 867377 (VCV000867377.3), dbSNP rs587782873, ClinGen allele CA10590635.
Genomic context (GRCh38, chr17:43,047,697, plus strand): 5'-CCTTACCATGGAAGCCATTGTCCTCTGTCCAGGCATCTGGCTGCACAACCACAATTGGGT[G>C]GACACCCTGGATCCCCAGGAAGGAAAGAGCATTCAAAGTGTCAAAGTAGGACTACTGGAA-3'
Protein context (NP_009225.1, residues 1795-1815): LSSFTLGTGV[His1805Asp]PIVVVQPDAW